The following is an entry in ClinVar:

NC_000001.10:g.(?_45794972)_(45800189_?)dup

Gene: MUTYH (mutY DNA glycosylase; minus strand). Cytogenetic location: 1p34.1.
Variant type: Duplication.
Identifiers: ClinVar variation 1003320 (VCV001003320.7).

ClinVar aggregate classification (germline): Uncertain significance (1 of 4 stars; one submission).

Conditions:
Familial adenomatous polyposis 2. Also called: COLORECTAL ADENOMATOUS POLYPOSIS, AUTOSOMAL RECESSIVE; ADENOMAS, MULTIPLE COLORECTAL, AUTOSOMAL RECESSIVE; Adenomas, multiple colorectal; FAP type 2; MUTYH Polyposis; MUTYH-associated polyposis. Identifiers: Orphanet 220460, Orphanet 247798, MedGen C3272841, MONDO:0012041, OMIM 608456.

Submission:

Labcorp Genetics (formerly Invitae), Labcorp
Classification: Uncertain significance for Familial adenomatous polyposis 2. Last evaluated: 2021-08-04. Review status: criteria provided, single submitter. Criteria: Invitae Variant Classification Sherloc (09022015). Collection method: clinical testing. Allele origin: germline.
Comment: A duplication of exons 2-16 in MUTYH has not been reported in the literature in individuals with a MUTYH-related disease. In summary, the available evidence is currently insufficient to determine the role of this variant in disease. Therefore, it has been classified as a Variant of Uncertain Significance. This variant is a gross duplication of the genomic region encompassing exons 2-16 of the MUTYH gene. The 5' boundary is unknown and may include exon 1. The 3' end of this event is unknown as it extends beyond the assayed region for this gene and therefore may encompass additional genes.